The following is an entry in ClinVar:

NM_182493.3(MYLK3):c.184C>T (p.Arg62Trp)

Gene: MYLK3 (myosin light chain kinase 3; minus strand). Cytogenetic location: 16q11.2.
Variant type: single nucleotide variant.
Coding change: c.184C>T on transcript NM_182493.3 (MANE Select); coding-DNA position 184, C replaced by T.
Protein change: p.Arg62Trp; replaces arginine 62 with tryptophan.
Molecular consequence: missense variant. On other transcripts: intron variant (1).
Genome position (GRCh38, 1-based): chr16:46,748,010, G>A on the plus strand (C>T on the coding strand, the complement: MYLK3 is on the minus strand). VCF-style: chr16-46748010-G-A. GRCh37 (hg19) VCF-style: chr16-46781922-G-A.
Other names: p.Arg62Trp; c.-113-7863C>T (NM_001308301.1); c.184C>T (NM_182493.2); short protein forms R62W.
Identifiers: ClinVar variation 1414545 (VCV001414545.9), dbSNP rs200653944, ClinGen allele CA8038308.

ClinVar aggregate classification (germline): Conflicting classifications of pathogenicity. Review status: criteria provided, conflicting classifications (1 of 4 stars). 3 submissions from 3 submitters: Uncertain significance (2); Likely benign (1). Last evaluated 2026-01-19.

Allele frequency attached by ClinVar (database versions not stated): gnomAD exomes 0.00004 and 0.00006; ExAC 0.00009; ESP Exome Variant Server 0.00015; TOPMed 0.00015; 1000 Genomes Project 30x 0.00016; 1000 Genomes Project 0.00020; gnomAD 0.00023 and 0.00024.
gnomAD v4.1: 88 of 1,613,720 alleles (0.0055%); highest among the groups gnomAD compares: African/African-American, 0.072%; no homozygotes.

Submissions (3):

Labcorp Genetics (formerly Invitae), Labcorp
Classification: Uncertain significance. Last evaluated: 2026-01-19. Review status: criteria provided, single submitter. Criteria: Invitae Variant Classification Sherloc (09022015). Collection method: clinical testing. Allele origin: germline.
Comment: This sequence change replaces arginine, which is basic and polar, with tryptophan, which is neutral and slightly polar, at codon 62 of the MYLK3 protein (p.Arg62Trp). This variant is present in population databases (rs200653944, gnomAD 0.07%), and has an allele count higher than expected for a pathogenic variant. This variant has not been reported in the literature in individuals affected with MYLK3-related conditions. ClinVar contains an entry for this variant (Variation ID: 1414545). An algorithm developed to predict the effect of missense changes on protein structure and function (PolyPhen-2) suggests that this variant is likely to be tolerated. In summary, the available evidence is currently insufficient to determine the role of this variant in disease. Therefore, it has been classified as a Variant of Uncertain Significance.

Ambry Genetics
Classification: Uncertain significance. Last evaluated: 2025-09-22. Review status: criteria provided, single submitter. Criteria: Ambry Variant Classification Scheme 2023. Collection method: clinical testing. Allele origin: germline.

Mayo Clinic Laboratories, Mayo Clinic
Classification: Likely benign. Last evaluated: 2025-07-01. Review status: criteria provided, single submitter. Criteria: ACMG Guidelines, 2015. Collection method: clinical testing. Allele origin: germline. Observed: 1 variant allele.
Comment: BS1, BP4